The following is an entry in ClinVar:

ClinVar aggregate classification (germline): Uncertain significance (1 of 4 stars; one submission).

Allele frequency attached by ClinVar (database versions not stated): gnomAD exomes 0.00001.
gnomAD v4.1: 15 of 1,583,074 alleles (0.00095%); highest among the groups gnomAD compares: Non-Finnish European, 0.0012%; no homozygotes.

Submission:

Labcorp Genetics (formerly Invitae), Labcorp
Classification: Uncertain significance. Last evaluated: 2022-10-17. Review status: criteria provided, single submitter. Criteria: Invitae Variant Classification Sherloc (09022015). Collection method: clinical testing. Allele origin: germline.
Comment: In summary, the available evidence is currently insufficient to determine the role of this variant in disease. Therefore, it has been classified as a Variant of Uncertain Significance. Algorithms developed to predict the effect of missense changes on protein structure and function are either unavailable or do not agree on the potential impact of this missense change (SIFT: "Deleterious"; PolyPhen-2: "Not Available"; Align-GVGD: "Class C0"). This variant has not been reported in the literature in individuals affected with THAP11-related conditions. This variant is not present in population databases (gnomAD no frequency). This sequence change replaces glutamine, which is neutral and polar, with histidine, which is basic and polar, at codon 116 of the THAP11 protein (p.Gln116His).

NM_020457.3(THAP11):c.348A>C (p.Gln116His)

Genes: CENPT (centromere protein T; minus strand), THAP11 (THAP domain containing 11; plus strand). Cytogenetic location: 16q22.1.
Variant type: single nucleotide variant.
Coding change: c.348A>C on transcript NM_020457.3 (MANE Select); coding-DNA position 348, A replaced by C.
Protein change: p.Gln116His; replaces glutamine 116 with histidine.
Molecular consequence: missense variant. On other transcripts: intron variant (1).
Genome position (GRCh38, 1-based): chr16:67,842,902, A>C. VCF-style: chr16-67842902-A-C. GRCh37 (hg19) VCF-style: chr16-67876805-A-C.
Other names: c.-492+4499T>G (NM_025082.4); short protein forms Q116H.
Identifiers: ClinVar variation 1910278 (VCV001910278.5), dbSNP rs28434205, ClinGen allele CA283195433.